The following is an entry in ClinVar:

ClinVar aggregate classification (germline): Uncertain significance. Review status: criteria provided, multiple submitters, no conflicts (2 of 4 stars). 2 submissions from 2 submitters: Uncertain significance (2). Last evaluated 2025-11-24.

Conditions:
Inborn genetic diseases. Identifiers: MedGen C0950123, MeSH D030342.

Allele frequency attached by ClinVar (database versions not stated): gnomAD exomes below 0.00001; gnomAD 0.00001; TOPMed 0.00001.

Submissions (2):

Ambry Genetics
Classification: Uncertain significance for Inborn genetic diseases. Last evaluated: 2025-11-24. Review status: criteria provided, single submitter. Criteria: Ambry Variant Classification Scheme 2023. Collection method: clinical testing. Allele origin: germline.

Labcorp Genetics (formerly Invitae), Labcorp
Classification: Uncertain significance. Last evaluated: 2022-07-12. Review status: criteria provided, single submitter. Criteria: Invitae Variant Classification Sherloc (09022015). Collection method: clinical testing. Allele origin: germline.
Comment: This sequence change replaces tyrosine, which is neutral and polar, with cysteine, which is neutral and slightly polar, at codon 114 of the VARS2 protein (p.Tyr114Cys). In summary, the available evidence is currently insufficient to determine the role of this variant in disease. Therefore, it has been classified as a Variant of Uncertain Significance. Algorithms developed to predict the effect of missense changes on protein structure and function are either unavailable or do not agree on the potential impact of this missense change (SIFT: "Deleterious"; PolyPhen-2: "Probably Damaging"; Align-GVGD: "Class C0"). ClinVar contains an entry for this variant (Variation ID: 1473241). This variant has not been reported in the literature in individuals affected with VARS2-related conditions. This variant is present in population databases (no rsID available, gnomAD 0.002%).

NM_020442.6(VARS2):c.251A>G (p.Tyr84Cys)

Gene: VARS2 (valyl-tRNA synthetase 2, mitochondrial; plus strand). Cytogenetic location: 6p21.33.
Variant type: single nucleotide variant.
Coding change: c.251A>G on transcript NM_020442.6 (MANE Select); coding-DNA position 251, A replaced by G.
Protein change: p.Tyr84Cys; replaces tyrosine 84 with cysteine.
Molecular consequence: missense variant. On other transcripts: 5 prime UTR variant (1).
Genome position (GRCh38, 1-based): chr6:30,915,205, A>G. VCF-style: chr6-30915205-A-G. GRCh37 (hg19) VCF-style: chr6-30882982-A-G.
Other names: c.-170A>G (NM_001167733.3); c.341A>G, p.Tyr114Cys (NM_001167734.2); c.341A>G (NM_001167734.1); short protein forms Y114C, Y84C.
Identifiers: ClinVar variation 1473241 (VCV001473241.9), dbSNP rs1451565187, ClinGen allele CA363164740.